The following is an entry in ClinVar:

ClinVar aggregate classification (germline): Conflicting classifications of pathogenicity. Review status: criteria provided, conflicting classifications (1 of 4 stars). 5 submissions from 4 submitters: Uncertain significance (2); Likely benign (3). Last evaluated 2025-03-23.

Conditions:
Developmental and epileptic encephalopathy, 11 (DEE11). Also called: Early infantile epileptic encephalopathy 11. Identifiers: Orphanet 1934, MedGen C3150987, MONDO:0013388, OMIM 613721.
Seizures, benign familial infantile, 3 (BFIS3). Also called: CONVULSIONS, BENIGN FAMILIAL INFANTILE, 3; Familial neonatal seizures. Identifiers: Orphanet 140927, Orphanet 306, MedGen C1843140, MONDO:0011904, OMIM 607745.
Episodic ataxia, type 9. Identifiers: MedGen C5394520, MONDO:0030064, OMIM 618924.
Inborn genetic diseases. Identifiers: MedGen C0950123, MeSH D030342.

Allele frequency attached by ClinVar (database versions not stated): gnomAD exomes 0.00003 and 0.00014; ExAC 0.00004; gnomAD 0.00025 and 0.00027; TOPMed 0.00028.

Submissions (5):

Labcorp Genetics (formerly Invitae), Labcorp
Classification: Likely benign for Seizures, benign familial infantile, 3; Developmental and epileptic encephalopathy, 11. Last evaluated: 2025-03-23. Review status: criteria provided, single submitter. Criteria: Invitae Variant Classification Sherloc (09022015). Collection method: clinical testing. Allele origin: germline.

Ambry Genetics
Classification: Likely benign for Inborn genetic diseases. Last evaluated: 2024-09-05. Review status: criteria provided, single submitter. Criteria: Ambry Variant Classification Scheme 2023. Collection method: clinical testing. Allele origin: germline.

GeneDx
Classification: Likely benign. Last evaluated: 2018-01-26. Review status: criteria provided, single submitter. Criteria: GeneDx Variant Classification (06012015). Collection method: clinical testing. Allele origin: germline. Affected: yes.
Comment: This variant is considered likely benign or benign based on one or more of the following criteria: it is a conservative change, it occurs at a poorly conserved position in the protein, it is predicted to be benign by multiple in silico algorithms, and/or has population frequency not consistent with disease.

Center for Genomics, Ann and Robert H. Lurie Children's Hospital of Chicago
Classification: Uncertain significance for Developmental and epileptic encephalopathy, 11; Seizures, benign familial infantile, 3. Last evaluated: 2017-12-14. Review status: criteria provided, single submitter. Criteria: ACMG Guidelines, 2015. Collection method: clinical testing. Allele origin: germline.
Comment: SCN2A NM_021007.2 exon 11 p.Ser468del (c.1402_1404del): This variant has not been reported in the literature but is present in 34/33574 Latino alleles in the Genome Aggregation Database. Evolutionary conservation and computational predictive tools for this variant are limited or unavailable. This variant represents an in-frame deletion of 1 amino acid at position 468 and is not predicted to alter the reading frame. However, the effect of this variant on the protein is unclear. In summary, data on this variant is insufficient for disease classification. Therefore, the clinical significance of this variant is uncertain.

Center for Genomics, Ann and Robert H. Lurie Children's Hospital of Chicago
Classification: Uncertain significance for Seizures, benign familial infantile, 3; Developmental and epileptic encephalopathy, 11; Episodic ataxia, type 9. Review status: criteria provided, single submitter. Criteria: ACMG Guidelines, 2015. Collection method: clinical testing. Allele origin: germline.
Comment: SCN2A NM_021007 exon 11 p.Ser468del (c.1402_1404del): This variant has not been reported in the literature but is present in 34/33574 Latino alleles in the Genome Aggregation Database. Evolutionary conservation and computational predictive tools for this variant are limited or unavailable. This variant represents an in-frame deletion of 1 amino acid at position 468 and is not predicted to alter the reading frame. However, the effect of this variant on the protein is unclear. In summary, data on this variant is insufficient for disease classification. Therefore, the clinical significance of this variant is uncertain.

NM_001040142.2(SCN2A):c.1402_1404del (p.Ser468del)

Gene: SCN2A (sodium voltage-gated channel alpha subunit 2; plus strand). Cytogenetic location: 2q24.3.
Variant type: Deletion.
Coding change: c.1402_1404del on transcript NM_001040142.2 (MANE Select); coding-DNA positions 1402 to 1404, 3 bases deleted (TCT; older notation c.1402_1404delTCT).
Protein change: p.Ser468del; deletes serine 468.
Molecular consequence: inframe deletion.
Genome position (GRCh38, 1-based): chr2:165,315,489-165,315,491, TCT deleted. VCF-style (leftmost placement, unchanged base first): chr2-165315488-ATCT-A. GRCh37 (hg19) VCF-style: chr2-166171998-ATCT-A.
Other names: c.1402_1404del, p.Ser468del (NM_001040143.2, NM_001371246.1, NM_001371247.1 and 1 more transcripts); c.1402_1404delTCT (NM_021007.2); short protein forms S468del.
Identifiers: ClinVar variation 514940 (VCV000514940.18), dbSNP rs780584405, ClinGen allele CA1939820.